The following is an entry in ClinVar:

ClinVar aggregate classification (germline): Uncertain significance (1 of 4 stars; one submission).

Conditions:
Malignant hyperthermia, susceptibility to, 1 (MHS1). Also called: Anesthesia related hyperthermia; Malignant hyperpyrexia; Fulminating hyperpyrexia; Pharmacogenic myopathy; RYR1-Related Malignant Hyperthermia Susceptibility; Malignant hyperthermia suceptibility 1. Identifiers: Orphanet 423, MedGen C2930980, MONDO:0007783, OMIM 145600.

Submission:

All of Us Research Program, National Institutes of Health
Classification: Uncertain significance for Malignant hyperthermia, susceptibility to, 1. Last evaluated: 2023-06-28. Review status: criteria provided, single submitter. Criteria: ACMG Guidelines, 2015. Collection method: clinical testing. Allele origin: germline. Inheritance: Autosomal dominant inheritance. Observed: 1 variant allele, 1 heterozygote.
Comment: This study involves interpretation of variants in research participants for the purpose of population health screening. Participant phenotype was not available at the time of variant classification. Additional details can be found in publication PMID: 35346344, PMCID: PMC8962531

NM_000540.3(RYR1):c.2375T>C (p.Leu792Pro)

Gene: RYR1 (ryanodine receptor 1; plus strand). Cytogenetic location: 19q13.2.
Variant type: single nucleotide variant.
Coding change: c.2375T>C on transcript NM_000540.3 (MANE Select); coding-DNA position 2375, T replaced by C.
Protein change: p.Leu792Pro; replaces leucine 792 with proline.
Molecular consequence: missense variant.
Genome position (GRCh38, 1-based): chr19:38,460,389, T>C. VCF-style: chr19-38460389-T-C. GRCh37 (hg19) VCF-style: chr19-38951029-T-C.
Other names: c.2375T>C, p.Leu792Pro (NM_001042723.2); short protein forms L792P.
Identifiers: ClinVar variation 3071728 (VCV003071728.1), dbSNP rs2514054394, ClinGen allele CA405628538.
Genomic context (GRCh38, chr19:38,460,389, plus strand): 5'-CCCCATAACCTCCCCTCAATGATCCCCATTGTCCTTCCTTACCCAGGGTGCGGTTCCTCC[T>C]TGGTGGCCGCCATGGTGAATTCAAGTTCCTGCCCCCACCTGGCTATGCTCCATGCCATGA-3'
Protein context (NP_000531.2, residues 782-802): FSAGVKVRFL[Leu792Pro]GGRHGEFKFL